The following is an entry in ClinVar:

NM_001041.4(SI):c.4094dup (p.Phe1366fs)

Gene: SI (sucrase-isomaltase; minus strand). Cytogenetic location: 3q26.1.
Variant type: Duplication.
Coding change: c.4094dup on transcript NM_001041.4 (MANE Select); coding-DNA position 4094, one base duplicated (T; older notation c.4094dupT).
Protein change: p.Phe1366fs; shifts the reading frame from phenylalanine 1366.
Molecular consequence: frameshift variant.
Genome position (GRCh38, 1-based): chr3:165,009,364, A duplicated on the plus strand (T on the coding strand, the reverse complement: SI is on the minus strand); the first of 3 consecutive A bases (chr3:165,009,364-165,009,366); duplicating any one gives the same sequence. VCF-style (leftmost placement, unchanged base first): chr3-165009363-G-GA. GRCh37 (hg19) VCF-style: chr3-164727151-G-GA.
Other names: short protein forms F1366fs.
Identifiers: ClinVar variation 2873574 (VCV002873574.4), dbSNP rs1718661487, ClinGen allele CA1417350314.

ClinVar aggregate classification (germline): Pathogenic/Likely pathogenic. Review status: criteria provided, multiple submitters, no conflicts (2 of 4 stars). 2 submissions from 2 submitters: Pathogenic (1); Likely pathogenic (1). Last evaluated 2025-10-02.

Conditions:
Sucrase-isomaltase deficiency (CSID). Also called: Deficiency of isomaltase; SI DEFICIENCY; Congenital sucrose isomaltose malabsorption; Sucrose isomaltose enzyme deficiency. Identifiers: Orphanet 35122, MedGen C1283620, MONDO:0009114, OMIM 222900.

Submissions (2):

Labcorp Genetics (formerly Invitae), Labcorp
Classification: Pathogenic. Last evaluated: 2025-10-02. Review status: criteria provided, single submitter. Criteria: Invitae Variant Classification Sherloc (09022015). Collection method: clinical testing. Allele origin: germline.
Comment: This sequence change creates a premature translational stop signal (p.Phe1366Leufs*19) in the SI gene. It is expected to result in an absent or disrupted protein product. Loss-of-function variants in SI are known to be pathogenic (PMID: 16329100, 23103650, 25452324). This variant is not present in population databases (gnomAD no frequency). This variant has not been reported in the literature in individuals affected with SI-related conditions. ClinVar contains an entry for this variant (Variation ID: 2873574). For these reasons, this variant has been classified as Pathogenic.

Fulgent Genetics
Classification: Likely pathogenic for Sucrase-isomaltase deficiency. Last evaluated: 2024-01-18. Review status: criteria provided, single submitter. Criteria: ACMG Guidelines, 2015. Collection method: clinical testing. Allele origin: germline.

Literature cited by the submitters: PubMed 16329100 (cited by Labcorp Genetics (formerly Invitae), Labcorp); PubMed 23103650 (cited by Labcorp Genetics (formerly Invitae), Labcorp); PubMed 25452324 (cited by Labcorp Genetics (formerly Invitae), Labcorp).